The following is an entry in ClinVar:

ClinVar aggregate classification (germline): Uncertain significance. Review status: criteria provided, single submitter (1 of 4 stars). 2 submissions from 2 submitters: Uncertain significance (1). 1 of the submissions does not count toward it. Last evaluated 2020-03-01.

Conditions:
TECPR2-related disorder. Also called: TECPR2-related condition.
Hereditary spastic paraplegia. Also called: Familial spastic paraparesis. Identifiers: Orphanet 685, MedGen C0037773, MONDO:0019064. Disease mechanism: loss of function.

Submissions (2):

Genome Diagnostics Laboratory, The Hospital for Sick Children
Classification: Uncertain significance for Hereditary spastic paraplegia. Last evaluated: 2020-03-01. Review status: criteria provided, single submitter. Criteria: ACMG Guidelines, 2015. Collection method: clinical testing. Allele origin: germline. Affected: yes.

PreventionGenetics, part of Exact Sciences
Classification: Likely benign for TECPR2-related condition. Last evaluated: 2019-10-28. Review status: no assertion criteria provided. Collection method: clinical testing. Allele origin: germline. Not counted in ClinVar's aggregate classification.
Comment: This variant is classified as likely benign based on ACMG/AMP sequence variant interpretation guidelines (Richards et al. 2015 PMID: 25741868, with internal and published modifications).

NM_014844.5(TECPR2):c.952-13_952-6dup

Gene: TECPR2 (tectonin beta-propeller repeat containing 2; plus strand). Cytogenetic location: 14q32.31.
Variant type: Duplication.
Coding change: c.952-13_952-6dup on transcript NM_014844.5 (MANE Select); 13 bases into the intron before coding-DNA position 952 through 6 bases into the intron before coding-DNA position 952, 8 bases duplicated (TTTTTTTT; older notation c.952-13_952-6dupTTTTTTTT).
Molecular consequence: intron variant.
Genome position (GRCh38, 1-based): chr14:102,428,237-102,428,244, TTTTTTTT duplicated; duplicating any 8 consecutive bases within chr14:102,428,223-102,428,244 gives the same sequence; the c. name uses the placement nearest the transcript's 3' end. VCF-style (leftmost placement, unchanged base first): chr14-102428222-G-GTTTTTTTT. GRCh37 (hg19) VCF-style: chr14-102894559-G-GTTTTTTTT.
Other names: c.952-13_952-6dup (NM_001172631.3); c.952-13_952-6dup8 (NM_014844.4).
Identifiers: ClinVar variation 1344165 (VCV001344165.5), dbSNP rs565236204, ClinGen allele CA7357592.